The following is an entry in ClinVar:

ClinVar aggregate classification (germline): Uncertain significance (1 of 4 stars; one submission).

Conditions:
Hereditary cancer-predisposing syndrome. Also called: Hereditary Cancer Syndrome; Hereditary neoplastic syndrome; Neoplastic Syndromes, Hereditary; Tumor predisposition. Identifiers: Orphanet 140162, MedGen C0027672, MeSH D009386, MONDO:0015356.

Submission:

Ambry Genetics
Classification: Uncertain significance for Hereditary cancer-predisposing syndrome. Last evaluated: 2025-06-27. Review status: criteria provided, single submitter. Criteria: Ambry Variant Classification Scheme 2023. Collection method: clinical testing. Allele origin: germline.
Comment: The c.1632A>C variant (also known as p.*544Cext*48), located in coding exon 14 of the CHEK2 gene, results from an A to C substitution at nucleotide position 1632. This alteration disrupts the stop codon of the CHEK2 gene and is predicted to preserve the native sequence while resulting in the elongation of the protein by 48 amino acids. The exact functional effect of the additional amino acids is unknown. Based on the available evidence, the clinical significance of this variant remains unclear.

NM_007194.4(CHEK2):c.1632A>C (p.Ter544Cys)

Gene: CHEK2 (checkpoint kinase 2; minus strand). Cytogenetic location: 22q12.1.
Variant type: single nucleotide variant.
Coding change: c.1632A>C on transcript NM_007194.4 (MANE Select); coding-DNA position 1632, A replaced by C.
Protein change: p.Ter544Cys.
Molecular consequence: stop lost.
Genome position (GRCh38, 1-based): chr22:28,687,897, T>G on the plus strand (A>C on the coding strand, the complement: CHEK2 is on the minus strand). VCF-style: chr22-28687897-T-G. GRCh37 (hg19) VCF-style: chr22-29083885-T-G.
Other names: c.1761A>C, p.Ter587Cys (NM_001005735.3); c.969A>C, p.Ter323Cys (NM_001257387.3, NM_001437942.1); c.1431A>C, p.Ter477Cys (NM_001349956.3); c.1725A>C, p.Ter575Cys (NM_001438293.1); c.1674A>C, p.Ter558Cys (NM_001438294.1); c.1638A>C, p.Ter546Cys (NM_001438295.1); c.1545A>C, p.Ter515Cys (NM_145862.3).
Identifiers: ClinVar variation 4227989 (VCV004227989.1).